The following is an entry in ClinVar:

ClinVar aggregate classification (germline): Conflicting classifications of pathogenicity. Review status: criteria provided, conflicting classifications (1 of 4 stars). 3 submissions from 3 submitters: Uncertain significance (1); Likely benign (2). Last evaluated 2025-10-06.

Conditions:
Familial adenomatous polyposis 1 (FAP1). Also called: FAMILIAL ADENOMATOUS POLYPOSIS 1, ATTENUATED; POLYPOSIS, ADENOMATOUS INTESTINAL. Identifiers: MedGen C2713442, MONDO:0021056, OMIM 175100. Disease mechanism: loss of function.
Hereditary cancer-predisposing syndrome. Also called: Hereditary Cancer Syndrome; Hereditary neoplastic syndrome; Neoplastic Syndromes, Hereditary; Tumor predisposition. Identifiers: Orphanet 140162, MedGen C0027672, MeSH D009386, MONDO:0015356.

Submissions (3):

Ambry Genetics
Classification: Likely benign for Hereditary cancer-predisposing syndrome. Last evaluated: 2025-10-06. Review status: criteria provided, single submitter. Criteria: Ambry Variant Classification Scheme 2023. Collection method: clinical testing. Allele origin: germline.

Labcorp Genetics (formerly Invitae), Labcorp
Classification: Uncertain significance for Familial adenomatous polyposis 1. Last evaluated: 2025-02-11. Review status: criteria provided, single submitter. Criteria: Invitae Variant Classification Sherloc (09022015). Collection method: clinical testing. Allele origin: germline.
Comment: This sequence change falls in intron 8 of the APC gene. It does not directly change the encoded amino acid sequence of the APC protein. It affects a nucleotide within the consensus splice site. This variant is not present in population databases (gnomAD no frequency). This variant has not been reported in the literature in individuals affected with APC-related conditions. ClinVar contains an entry for this variant (Variation ID: 1448591). Variants that disrupt the consensus splice site are a relatively common cause of aberrant splicing (PMID: 17576681, 9536098). Algorithms developed to predict the effect of sequence changes on RNA splicing suggest that this variant is not likely to affect RNA splicing. In summary, the available evidence is currently insufficient to determine the role of this variant in disease. Therefore, it has been classified as a Variant of Uncertain Significance.

Myriad Genetics, Inc.
Classification: Likely benign for Familial adenomatous polyposis 1. Last evaluated: 2023-12-19. Review status: criteria provided, single submitter. Criteria: Myriad Autosomal Dominant, Autosomal Recessive and X-Linked Classification Criteria (2023). Collection method: clinical testing. Allele origin: unknown.
Comment: This variant is considered likely benign. This variant is intronic and is not expected to impact mRNA splicing.

Literature cited by the submitters: PubMed 17576681 (cited by Labcorp Genetics (formerly Invitae), Labcorp); PubMed 9536098 (cited by Labcorp Genetics (formerly Invitae), Labcorp).

NM_000038.6(APC):c.834+5A>G

Gene: APC (APC regulator of Wnt signaling pathway; plus strand). Cytogenetic location: 5q22.2.
Variant type: single nucleotide variant.
Coding change: c.834+5A>G on transcript NM_000038.6 (MANE Select); 5 bases into the intron after coding-DNA position 834, A replaced by G.
Molecular consequence: intron variant.
Genome position (GRCh38, 1-based): chr5:112,801,388, A>G. VCF-style: chr5-112801388-A-G. GRCh37 (hg19) VCF-style: chr5-112137085-A-G.
Other names: c.834+5A>G (NM_001354895.2, NM_001127510.3, NM_001354896.2 and 2 more transcripts); c.864+5A>G (NM_001354897.2, NM_001354902.2); c.780+5A>G (NM_001127511.3); c.759+5A>G (NM_001354898.2, NM_001354904.2); c.-202+5A>G (NM_001354906.2); c.750+5A>G (NM_001354899.2); c.657+5A>G (NM_001354900.2, NM_001354901.2, NM_001354905.2).
Identifiers: ClinVar variation 1448591 (VCV001448591.10), dbSNP rs2149712663, ClinGen allele CA2573138909.